The following is an entry in ClinVar:

NM_138694.4(PKHD1):c.9217_9231del (p.Trp3073_Trp3077del)

Gene: PKHD1 (PKHD1 ciliary IPT domain containing fibrocystin/polyductin; minus strand). Cytogenetic location: 6p12.3.
Variant type: Deletion.
Coding change: c.9217_9231del on transcript NM_138694.4 (MANE Select); coding-DNA positions 9217 to 9231, 15 bases deleted (TGGTCCACCATTTGG).
Protein change: p.Trp3073_Trp3077del.
Molecular consequence: inframe deletion.
Genome position (GRCh38, 1-based): chr6:51,748,385-51,748,399, CCAAATGGTGGACCA deleted on the plus strand (TGGTCCACCATTTGG on the coding strand, the reverse complement: PKHD1 is on the minus strand); deleting any 15 consecutive bases within chr6:51,748,385-51,748,400 gives the same sequence; the c. name uses the placement nearest the transcript's 3' end. VCF-style (leftmost placement, unchanged base first): chr6-51748384-CCCAAATGGTGGACCA-C. GRCh37 (hg19) VCF-style: chr6-51613182-CCCAAATGGTGGACCA-C.
Other names: c.9217_9231del, p.Trp3073_Trp3077del (NM_170724.3).
Identifiers: ClinVar variation 3254869 (VCV003254869.1), dbSNP rs2533824812.

ClinVar aggregate classification (germline): Likely pathogenic (1 of 4 stars; one submission).

Conditions:
Polycystic kidney disease 4 (PKD4). Also called: POLYCYSTIC KIDNEY DISEASE 4 WITH OR WITHOUT POLYCYSTIC LIVER DISEASE; PKD3; POLYCYSTIC KIDNEY AND HEPATIC DISEASE 1; POLYCYSTIC KIDNEY DISEASE, INFANTILE, TYPE I; Autosomal Recessive Polycystic Kidney Disease – PKHD1. Identifiers: MedGen C4540575, MONDO:0033004, OMIM 263200.

Submission:

Victorian Clinical Genetics Services, Murdoch Childrens Research Institute
Classification: Likely pathogenic for Polycystic kidney disease 4. Last evaluated: 2023-07-17. Review status: criteria provided, single submitter. Criteria: ACMG Guidelines, 2015. Collection method: clinical testing. Allele origin: germline. Inheritance: Autosomal recessive inheritance. Affected: yes.
Comment: Based on the classification scheme VCGS_Germline_v1.3.4, this variant is classified as Likely pathogenic. Following criteria are met: 0102 - Loss of function is a known mechanism of disease in this gene and is associated with polycystic kidney disease 4, with or without hepatic disease (MIM#263200). (I) 0106 - This gene is associated with autosomal recessive disease. (I) 0115 - Variants in this gene are known to have variable expressivity. There is significant intrafamilial severity variability (GeneReviews). (I) 0213 - In-frame deletion in a non-repetitive region that has moderate conservation. (SP) 0251 - This variant is heterozygous. (I) 0301 - Variant is absent from gnomAD (both v2 and v3). (SP) 0600 - Variant is located in the annotated Beta-helix domain (DECIPHER). (I) 0705 - No comparable variants have previous evidence for pathogenicity. (I) 0807 - This variant has no previous evidence of pathogenicity. (I) 0905 - No published segregation evidence has been identified for this variant. (I) 1007 - No published functional evidence has been identified for this variant. (I) 1102 - Strong phenotype match for this individual. (SP) 1201 - Heterozygous variant detected in trans with a second pathogenic heterozygous variant (NM_138694.3(PKHD1):c.11287C>T; p.(Gln3763*)) in a recessive disease. (I) Legend: (SP) - Supporting pathogenic, (I) - Information, (SB) - Supporting benign